The following is an entry in ClinVar:

NM_007078.3(LDB3):c.772G>C (p.Asp258His)

Gene: LDB3 (LIM domain binding 3; plus strand). Cytogenetic location: 10q23.2.
Variant type: single nucleotide variant.
Coding change: c.772G>C on transcript NM_007078.3 (MANE Select); coding-DNA position 772, G replaced by C.
Protein change: p.Asp258His; replaces aspartic acid 258 with histidine.
Molecular consequence: missense variant.
Genome position (GRCh38, 1-based): chr10:86,691,978, G>C. VCF-style: chr10-86691978-G-C. GRCh37 (hg19) VCF-style: chr10-88451735-G-C.
Other names: c.631G>C, p.Asp211His (NM_001080114.2, NM_001080116.1, NM_001368066.1 and 2 more transcripts); c.772G>C, p.Asp258His (NM_001080115.2, NM_001368063.1, NM_001368064.1 and 1 more transcripts); c.976G>C, p.Asp326His (NM_001171610.2, NM_001171611.2); short protein forms D211H, D258H, D326H.
Identifiers: ClinVar variation 4882486 (VCV004882486.2).

ClinVar aggregate classification (germline): Uncertain significance (1 of 4 stars; one submission).

Submission:

Dasa
Classification: Uncertain significance. Last evaluated: 2025-04-30. Review status: criteria provided, single submitter. Criteria: DASA Assertion Criteria. Collection method: clinical testing. Allele origin: germline.
Comment: NM_007078.3(LDB3):c.772G>C (p.Asp258His) is a missense variant that results in the substitution of aspartic acid with histidine. This variant is absent from population databases. Computational prediction algorithms are consistent with a benign effect. The currently available literature and clinical evidence are not sufficient to establish a definitive association between this variant and the reported condition. Therefore, this variant is classified as a variant of uncertain significance.